The following is an entry in ClinVar:

NM_153365.3(TAPT1):c.1411C>G (p.Pro471Ala)

Gene: TAPT1 (transmembrane anterior posterior transformation 1; minus strand). Cytogenetic location: 4p15.32.
Variant type: single nucleotide variant.
Coding change: c.1411C>G on transcript NM_153365.3 (MANE Select); coding-DNA position 1411, C replaced by G.
Protein change: p.Pro471Ala; replaces proline 471 with alanine.
Molecular consequence: missense variant.
Genome position (GRCh38, 1-based): chr4:16,166,696, G>C on the plus strand (C>G on the coding strand, the complement: TAPT1 is on the minus strand). VCF-style: chr4-16166696-G-C. GRCh37 (hg19) VCF-style: chr4-16168319-G-C.
Other names: short protein forms P471A.
Identifiers: ClinVar variation 1941753 (VCV001941753.3), dbSNP rs1349085629, ClinGen allele CA356491888.

ClinVar aggregate classification (germline): Uncertain significance (1 of 4 stars; one submission).

Allele frequency attached by ClinVar (database versions not stated): gnomAD 0.00002; TOPMed 0.00002.
gnomAD v4.1: 4 of 1,613,884 alleles (0.00025%); highest among the groups gnomAD compares: African/African-American, 0.004%; no homozygotes.

Submission:

Labcorp Genetics (formerly Invitae), Labcorp
Classification: Uncertain significance. Last evaluated: 2022-02-22. Review status: criteria provided, single submitter. Criteria: Invitae Variant Classification Sherloc (09022015). Collection method: clinical testing. Allele origin: germline.
Comment: In summary, the available evidence is currently insufficient to determine the role of this variant in disease. Therefore, it has been classified as a Variant of Uncertain Significance. Algorithms developed to predict the effect of missense changes on protein structure and function (SIFT, PolyPhen-2, Align-GVGD) all suggest that this variant is likely to be tolerated. This variant has not been reported in the literature in individuals affected with TAPT1-related conditions. This variant is not present in population databases (gnomAD no frequency). This sequence change replaces proline, which is neutral and non-polar, with alanine, which is neutral and non-polar, at codon 471 of the TAPT1 protein (p.Pro471Ala).